The following is an entry in ClinVar:

ClinVar aggregate classification (germline): Uncertain significance (1 of 4 stars; one submission).

Allele frequency attached by ClinVar (database versions not stated): ExAC 0.00005; TOPMed 0.00005.
gnomAD v4.1: 24 of 1,610,734 alleles (0.0015%); highest among the groups gnomAD compares: East Asian, 0.031%; no homozygotes.

Submission:

Labcorp Genetics (formerly Invitae), Labcorp
Classification: Uncertain significance. Last evaluated: 2025-07-07. Review status: criteria provided, single submitter. Criteria: Invitae Variant Classification Sherloc (09022015). Collection method: clinical testing. Allele origin: germline.
Comment: This sequence change replaces arginine, which is basic and polar, with glutamine, which is neutral and polar, at codon 680 of the PLOD2 protein (p.Arg680Gln). This variant is present in population databases (rs760643773, gnomAD 0.09%). This missense change has been observed in individual(s) with PLOD2-related conditions (PMID: 30719581). ClinVar contains an entry for this variant (Variation ID: 2167599). Invitae Evidence Modeling of protein sequence and biophysical properties (such as structural, functional, and spatial information, amino acid conservation, physicochemical variation, residue mobility, and thermodynamic stability) indicates that this missense variant is expected to disrupt PLOD2 protein function with a positive predictive value of 80%. In summary, the available evidence is currently insufficient to determine the role of this variant in disease. Therefore, it has been classified as a Variant of Uncertain Significance.

Literature cited by the submitters: PubMed 30719581.

NM_182943.3(PLOD2):c.2039G>A (p.Arg680Gln)

Gene: PLOD2 (procollagen-lysine,2-oxoglutarate 5-dioxygenase 2; minus strand). Cytogenetic location: 3q24.
Variant type: single nucleotide variant.
Coding change: c.2039G>A on transcript NM_182943.3 (MANE Select); coding-DNA position 2039, G replaced by A.
Protein change: p.Arg680Gln; replaces arginine 680 with glutamine.
Molecular consequence: missense variant.
Genome position (GRCh38, 1-based): chr3:146,071,124, C>T on the plus strand (G>A on the coding strand, the complement: PLOD2 is on the minus strand). VCF-style: chr3-146071124-C-T. GRCh37 (hg19) VCF-style: chr3-145788911-C-T.
Other names: c.1976G>A, p.Arg659Gln (NM_000935.3); short protein forms R680Q, R659Q.
Identifiers: ClinVar variation 2167599 (VCV002167599.4), dbSNP rs760643773, ClinGen allele CA2654694.
Genomic context (GRCh38, chr3:146,071,124, plus strand): 5'-TTAAGTGCAATGTTTATGGTAAATGTAGAAGCATCATGATGAGGACGAAGAGAACGCTGT[C>T]GTTCAGGGGAGTATTTTACTACAAAATTCAGTAGTGCAAATCCCTGAAAAAGCAAAGTAA-3'
Protein context (NP_891988.1, residues 670-690): LNFVVKYSPE[Arg680Gln]QRSLRPHHDA